The following is an entry in ClinVar:

ClinVar aggregate classification (germline): Uncertain significance. Review status: criteria provided, multiple submitters, no conflicts (2 of 4 stars). 4 submissions from 4 submitters: Uncertain significance (4). Last evaluated 2025-09-25.

Conditions:
Inborn genetic diseases. Identifiers: MedGen C0950123, MeSH D030342.
Microcephaly 5, primary, autosomal recessive (MCPH5). Also called: ASPM Primary Microcephaly. Identifiers: Orphanet 2512, MedGen C1837501, MONDO:0012106, OMIM 608716.

Allele frequency attached by ClinVar (database versions not stated): ExAC 0.00002; gnomAD exomes 0.00002 and 0.00003; gnomAD 0.00003; TOPMed 0.00003.

Submissions (4):

Ambry Genetics
Classification: Uncertain significance for Inborn genetic diseases. Last evaluated: 2025-09-25. Review status: criteria provided, single submitter. Criteria: Ambry Variant Classification Scheme 2023. Collection method: clinical testing. Allele origin: germline.

Labcorp Genetics (formerly Invitae), Labcorp
Classification: Uncertain significance. Last evaluated: 2024-12-02. Review status: criteria provided, single submitter. Criteria: Invitae Variant Classification Sherloc (09022015). Collection method: clinical testing. Allele origin: germline.
Comment: This sequence change replaces proline, which is neutral and non-polar, with alanine, which is neutral and non-polar, at codon 609 of the ASPM protein (p.Pro609Ala). This variant is present in population databases (rs760610573, gnomAD 0.004%). This variant has not been reported in the literature in individuals affected with ASPM-related conditions. ClinVar contains an entry for this variant (Variation ID: 294651). Invitae Evidence Modeling of protein sequence and biophysical properties (such as structural, functional, and spatial information, amino acid conservation, physicochemical variation, residue mobility, and thermodynamic stability) indicates that this missense variant is not expected to disrupt ASPM protein function with a negative predictive value of 80%. In summary, the available evidence is currently insufficient to determine the role of this variant in disease. Therefore, it has been classified as a Variant of Uncertain Significance.

Genome-Nilou Lab
Classification: Uncertain significance for Microcephaly 5, primary, autosomal recessive. Last evaluated: 2023-04-11. Review status: criteria provided, single submitter. Criteria: ACMG Guidelines, 2015. Collection method: clinical testing. Allele origin: germline. Affected: no.

Illumina Laboratory Services, Illumina
Classification: Uncertain significance for Microcephaly 5, primary, autosomal recessive. Last evaluated: 2018-01-12. Review status: criteria provided, single submitter. Criteria: ICSL Variant Classification Criteria 13 December 2019. Collection method: clinical testing. Allele origin: germline.

NM_018136.5(ASPM):c.1825C>G (p.Pro609Ala)

Gene: ASPM (assembly factor for spindle microtubules; minus strand). Cytogenetic location: 1q31.3.
Variant type: single nucleotide variant.
Coding change: c.1825C>G on transcript NM_018136.5 (MANE Select); coding-DNA position 1825, C replaced by G.
Protein change: p.Pro609Ala; replaces proline 609 with alanine.
Molecular consequence: missense variant.
Genome position (GRCh38, 1-based): chr1:197,142,427, G>C on the plus strand (C>G on the coding strand, the complement: ASPM is on the minus strand). VCF-style: chr1-197142427-G-C. GRCh37 (hg19) VCF-style: chr1-197111557-G-C.
Other names: c.1825C>G, p.Pro609Ala (NM_001206846.2); short protein forms P609A.
Identifiers: ClinVar variation 294651 (VCV000294651.14), dbSNP rs760610573, ClinGen allele CA1310642.